The following is an entry in ClinVar:

NM_000088.4(COL1A1):c.804+62A>G

Genes: COL1A1 (collagen type I alpha 1 chain; minus strand), LOC126862586 (CDK7 strongly-dependent group 2 enhancer GRCh37_chr17:48273702-48274901; plus strand). Cytogenetic location: 17q21.33.
Variant type: single nucleotide variant.
Coding change: c.804+62A>G on transcript NM_000088.4 (MANE Select); 62 bases into the intron after coding-DNA position 804, A replaced by G.
Molecular consequence: intron variant.
Genome position (GRCh38, 1-based): chr17:50,196,948, T>C on the plus strand (A>G on the coding strand, the complement: COL1A1 is on the minus strand). VCF-style: chr17-50196948-T-C. GRCh37 (hg19) VCF-style: chr17-48274309-T-C.
Other names: NC_000017.10:g.48274309T>C.
Identifiers: ClinVar variation 674976 (VCV000674976.3), dbSNP rs2075554, ClinGen allele CA15902775.

ClinVar aggregate classification (germline): Benign. Review status: criteria provided, multiple submitters, no conflicts (2 of 4 stars). 2 submissions from 2 submitters: Benign (2). Last evaluated 2018-06-14.

Allele frequency attached by ClinVar (database versions not stated): 1000 Genomes Project 30x 0.74219; 1000 Genomes Project 0.74461; TOPMed 0.79352; gnomAD 0.80727 and 0.81165; ESP Exome Variant Server 0.82961; gnomAD exomes 0.84537.
gnomAD v4.1: 1,324,335 of 1,573,952 alleles (84%); highest among the groups gnomAD compares: Non-Finnish European, 87%; 560,575 homozygotes.

Submissions (3):

GeneDx
Classification: Benign. Last evaluated: 2018-06-14. Review status: criteria provided, single submitter. Criteria: GeneDx Variant Classification (06012015). Collection method: clinical testing. Allele origin: germline. Affected: yes.
Comment: This variant is considered likely benign or benign based on one or more of the following criteria: it is a conservative change, it occurs at a poorly conserved position in the protein, it is predicted to be benign by multiple in silico algorithms, and/or has population frequency not consistent with disease.

Breakthrough Genomics
Classification: Benign. Review status: criteria provided, single submitter. Criteria: ACMG Guidelines, 2015. Collection method: not provided. Allele origin: germline. Inheritance: Autosomal dominant inheritance. Affected: yes.

Dr. Peter K. Rogan Lab, Western University
No classification provided (evidence only). Condition: Familial cancer of breast. Review status: no classification provided. Collection method: in vitro. Allele origin: not applicable. Functional consequence: retained intron. Not counted in ClinVar's aggregate classification.